The following is an entry in ClinVar:

ClinVar aggregate classification (germline): Pathogenic (1 of 4 stars; one submission).

Submission:

ISCA site 4
Classification: Pathogenic. Last evaluated: 2011-08-12. Review status: criteria provided, single submitter. Criteria: Kaminsky et al. (Genet Med. 2011). Collection method: clinical testing. Allele origin: de novo. Affected: yes. Observed: 1 variant allele.
Comment: Copy number variation identified through the course of routine clinical cytogenomic testing in postnatal populations. Clinical assertions have been curated as described in Kaminsky et al. 2011.

GRCh38/hg38 5q14.3(chr5:90228146-91116592)x1

Genes: ADGRV1 (adhesion G protein-coupled receptor V1; plus strand), CETN3 (centrin 3; minus strand), LINC01339 (long intergenic non-protein coding RNA 1339; minus strand), LYSMD3 (LysM domain containing 3; minus strand), MBLAC2 (metallo-beta-lactamase domain containing 2; minus strand) and 24 more. Cytogenetic location: 5q14.3.
Variant type: copy number loss.
Change: copy number 1 (one copy instead of two) of chr5:90,228,146-91,116,592 (888.4 kb, GRCh38 coordinates, 1-based), cytogenetic band 5q14.3.
Identifiers: ClinVar variation 57299 (VCV000057299.1).